The following is an entry in ClinVar:

NM_024312.5(GNPTAB):c.1071G>A (p.Trp357Ter)

Gene: GNPTAB (N-acetylglucosamine-1-phosphate transferase subunits alpha and beta; minus strand). Cytogenetic location: 12q23.2.
Variant type: single nucleotide variant.
Coding change: c.1071G>A on transcript NM_024312.5 (MANE Select); coding-DNA position 1071, G replaced by A.
Protein change: p.Trp357Ter; replaces tryptophan 357 with a stop codon.
Molecular consequence: nonsense.
Genome position (GRCh38, 1-based): chr12:101,770,448, C>T on the plus strand (G>A on the coding strand, the complement: GNPTAB is on the minus strand). VCF-style: chr12-101770448-C-T. GRCh37 (hg19) VCF-style: chr12-102164226-C-T.
Other names: short protein forms W357*.
Identifiers: ClinVar variation 1457528 (VCV001457528.8), dbSNP rs2137124017, ClinGen allele CA386303042.

ClinVar aggregate classification (germline): Pathogenic (1 of 4 stars; one submission).

Conditions:
Pseudo-Hurler polydystrophy. Also called: ML III; ML III ALPHA/BETA; Type III Mucolipidosis; ML IIIA; Mucolipidosis III Alpha/Beta; MUCOLIPIDOSIS IIIA. Identifiers: Orphanet 423461, Orphanet 577, MedGen C0033788, MONDO:0018931, OMIM 252600.
Mucolipidosis type II. Also called: ML II ALPHA/BETA; Mucolipidosis 2; ML 2; Inclusion cell disease; Leroy Disease; N-acetylglucosamine 1phosphotransferase deficiency. Identifiers: Orphanet 576, MedGen C2673377, MONDO:0009650, OMIM 252500.

Submission:

Labcorp Genetics (formerly Invitae), Labcorp
Classification: Pathogenic for Pseudo-Hurler polydystrophy; Mucolipidosis type II. Last evaluated: 2022-11-02. Review status: criteria provided, single submitter. Criteria: Invitae Variant Classification Sherloc (09022015). Collection method: clinical testing. Allele origin: germline.
Comment: ClinVar contains an entry for this variant (Variation ID: 1457528). For these reasons, this variant has been classified as Pathogenic. This premature translational stop signal has been observed in individual(s) with mucolipidosis type II (PMID: 23773965, 27662472). This variant is not present in population databases (gnomAD no frequency). This sequence change creates a premature translational stop signal (p.Trp357*) in the GNPTAB gene. It is expected to result in an absent or disrupted protein product. Loss-of-function variants in GNPTAB are known to be pathogenic (PMID: 19617216, 25107912).

Literature cited by the submitters: PubMed 23773965; PubMed 27662472; PubMed 19617216; PubMed 25107912.